The following is an entry in ClinVar:

ClinVar aggregate classification (germline): Uncertain significance (1 of 4 stars; one submission).

Conditions:
Inborn genetic diseases. Identifiers: MedGen C0950123, MeSH D030342.

gnomAD v4.1: 1 of 1,611,838 alleles (0.000062%); highest among the groups gnomAD compares: Non-Finnish European, 0.000085%; no homozygotes.

Submission:

Ambry Genetics
Classification: Uncertain significance for Inborn genetic diseases. Last evaluated: 2024-06-14. Review status: criteria provided, single submitter. Criteria: Ambry Variant Classification Scheme 2023. Collection method: clinical testing. Allele origin: germline.
Comment: The p.P1524S variant (also known as c.4570C>T), located in coding exon 32 of the LRRK2 gene, results from a C to T substitution at nucleotide position 4570. The proline at codon 1524 is replaced by serine, an amino acid with similar properties. This amino acid position is conserved. In addition, this alteration is predicted to be deleterious by in silico analysis. Based on the available evidence, the clinical significance of this variant remains unclear.

NM_198578.4(LRRK2):c.4570C>T (p.Pro1524Ser)

Gene: LRRK2 (leucine rich repeat kinase 2; plus strand). Cytogenetic location: 12q12.
Variant type: single nucleotide variant.
Coding change: c.4570C>T on transcript NM_198578.4 (MANE Select); coding-DNA position 4570, C replaced by T.
Protein change: p.Pro1524Ser; replaces proline 1524 with serine.
Molecular consequence: missense variant.
Genome position (GRCh38, 1-based): chr12:40,314,005, C>T. VCF-style: chr12-40314005-C-T. GRCh37 (hg19) VCF-style: chr12-40707807-C-T.
Other names: short protein forms P1524S.
Identifiers: ClinVar variation 3292067 (VCV003292067.1).